The following is an entry in ClinVar:

NM_001281956.2(CSMD2):c.5250C>T (p.Ser1750=)

Gene: CSMD2 (CUB and Sushi multiple domains 2; minus strand). Cytogenetic location: 1p35.1.
Variant type: single nucleotide variant.
Coding change: c.5250C>T on transcript NM_001281956.2 (MANE Select); coding-DNA position 5250, C replaced by T.
Protein change: p.Ser1750=; no amino-acid change (serine 1750 retained).
Molecular consequence: synonymous variant.
Genome position (GRCh38, 1-based): chr1:33,626,532, G>A on the plus strand (C>T on the coding strand, the complement: CSMD2 is on the minus strand). VCF-style: chr1-33626532-G-A. GRCh37 (hg19) VCF-style: chr1-34092132-G-A.
Other names: c.5130C>T, p.Ser1710= (NM_052896.5).
Identifiers: ClinVar variation 2638628 (VCV002638628.24), dbSNP rs144162842, ClinGen allele CA752000.

ClinVar aggregate classification (germline): Likely benign (1 of 4 stars; one submission).

Allele frequency attached by ClinVar (database versions not stated): TOPMed 0.00054; gnomAD 0.00058; ESP Exome Variant Server 0.00092; gnomAD exomes 0.00094; ExAC 0.00147.
gnomAD v4.1: 1,441 of 1,608,848 alleles (0.09%); highest among the groups gnomAD compares: Non-Finnish European, 0.11%; no homozygotes.

Submission:

CeGaT Center for Human Genetics Tuebingen
Classification: Likely benign. Last evaluated: 2022-04-01. Review status: criteria provided, single submitter. Criteria: CeGaT Center For Human Genetics Tuebingen Variant Classification Criteria Version 2. Collection method: clinical testing. Allele origin: germline. Affected: yes. Observed: 1 variant allele.
Comment: CSMD2: BP4, BP7